The following is an entry in ClinVar:

NM_001003800.2(BICD2):c.602A>G (p.Asn201Ser)

Gene: BICD2 (BICD cargo adaptor 2; minus strand). Cytogenetic location: 9q22.31.
Variant type: single nucleotide variant.
Coding change: c.602A>G on transcript NM_001003800.2 (MANE Select); coding-DNA position 602, A replaced by G.
Protein change: p.Asn201Ser; replaces asparagine 201 with serine.
Molecular consequence: missense variant.
Genome position (GRCh38, 1-based): chr9:92,722,660, T>C on the plus strand (A>G on the coding strand, the complement: BICD2 is on the minus strand). VCF-style: chr9-92722660-T-C. GRCh37 (hg19) VCF-style: chr9-95484942-T-C.
Other names: c.602A>G, p.Asn201Ser (NM_015250.4); short protein forms N201S.
Identifiers: ClinVar variation 423894 (VCV000423894.20), dbSNP rs201274230, ClinGen allele CA5126778.

ClinVar aggregate classification (germline): Conflicting classifications of pathogenicity. Review status: criteria provided, conflicting classifications (1 of 4 stars). 4 submissions from 4 submitters: Uncertain significance (3); Likely benign (1). Last evaluated 2025-09-08.

Conditions:
Inborn genetic diseases. Identifiers: MedGen C0950123, MeSH D030342.
Autosomal dominant childhood-onset proximal spinal muscular atrophy with contractures (SMALED2A). Also called: Spinal muscular atrophy, lower extremity-predominant, 2A, autosomal dominant; SPINAL MUSCULAR ATROPHY, LOWER EXTREMITY-PREDOMINANT, 2A, CHILDHOOD ONSET, AUTOSOMAL DOMINANT. Identifiers: Orphanet 363447, Orphanet 363454, MedGen C4747715, MONDO:0014121, OMIM 615290.

Allele frequency attached by ClinVar (database versions not stated): ExAC 0.00002; gnomAD exomes 0.00002 and 0.00009; gnomAD 0.00005 and 0.00006; TOPMed 0.00007.
gnomAD v4.1: 129 of 1,614,068 alleles (0.008%); highest among the groups gnomAD compares: Non-Finnish European, 0.011%; no homozygotes.

Submissions (4):

Labcorp Genetics (formerly Invitae), Labcorp
Classification: Likely benign for Autosomal dominant childhood-onset proximal spinal muscular atrophy with contractures. Last evaluated: 2025-09-08. Review status: criteria provided, single submitter. Criteria: Invitae Variant Classification Sherloc (09022015). Collection method: clinical testing. Allele origin: germline.

Ambry Genetics
Classification: Uncertain significance for Inborn genetic diseases. Last evaluated: 2025-01-21. Review status: criteria provided, single submitter. Criteria: Ambry Variant Classification Scheme 2023. Collection method: clinical testing. Allele origin: germline.

Mayo Clinic Laboratories, Mayo Clinic
Classification: Uncertain significance. Last evaluated: 2020-05-28. Review status: criteria provided, single submitter. Criteria: ACMG Guidelines, 2015. Collection method: clinical testing. Allele origin: germline. Observed: 1 variant allele.

GeneDx
Classification: Uncertain significance. Last evaluated: 2017-03-01. Review status: criteria provided, single submitter. Criteria: GeneDx Variant Classification (06012015). Collection method: clinical testing. Allele origin: germline. Affected: yes.
Comment: A variant of uncertain significance has been identified in the BICD2 gene. The N201S variant has not been published as a pathogenic variant, nor has it been reported as a benign variant to our knowledge. The N201S variant is not observed at a significant frequency in large population cohorts (Lek et al., 2016; 1000 Genomes Consortium et al., 2015; Exome Variant Server). The N201S variant is a conservative amino acid substitution, which is not likely to impact secondary protein structure as these residues share similar properties. This substitution occurs at a position where amino acids with similar properties to Asparagine are tolerated across species. However, in silico analysis is inconsistent in its predictions as to whether or not the variant is damaging to the protein structure/function. Therefore, based on the currently available information, it is unclear whether this variant is a pathogenic variant or a rare benign variant.